The following is an entry in ClinVar:

ClinVar aggregate classification (germline): Uncertain significance (1 of 4 stars; one submission).

gnomAD v4.1: 12 of 1,184,390 alleles (0.001%); highest among the groups gnomAD compares: African/African-American, 0.011%; no homozygotes.

Submission:

Ambry Genetics
Classification: Uncertain significance. Last evaluated: 2026-08-04. Review status: criteria provided, single submitter. Criteria: Ambry Variant Classification Scheme 2023. Collection method: clinical testing. Allele origin: germline.
Comment: The c.821T>C (p.I274T) alteration is located in exon 4 (coding exon 4) of the WDR44 gene. This alteration results from a T to C substitution at nucleotide position 821, causing the isoleucine (I) at amino acid position 274 to be replaced by a threonine (T). Based on data from gnomAD, the C allele has an overall frequency of 0.009% (2/21764) total alleles studied. The highest observed frequency was 0.034% (2/5857) of African alleles. Based on insufficient or conflicting evidence, the clinical significance of this alteration remains unclear.

NM_019045.5(WDR44):c.821T>C (p.Ile274Thr)

Gene: WDR44 (WD repeat domain 44; plus strand). Cytogenetic location: Xq24.
Variant type: single nucleotide variant.
Coding change: c.821T>C on transcript NM_019045.5 (MANE Select); coding-DNA position 821, T replaced by C.
Protein change: p.Ile274Thr; replaces isoleucine 274 with threonine.
Molecular consequence: missense variant.
Genome position (GRCh38, 1-based): chrX:118,393,266, T>C. VCF-style: chrX-118393266-T-C. GRCh37 (hg19) VCF-style: chrX-117527229-T-C.
Other names: c.821T>C, p.Ile274Thr (NM_001184965.2); c.746T>C, p.Ile249Thr (NM_001184966.1); short protein forms I249T, I274T.
Identifiers: ClinVar variation 5031762 (VCV005031762.1).